The following is an entry in ClinVar:

ClinVar aggregate classification (germline): Uncertain significance (1 of 4 stars; one submission).

Submission:

Ambry Genetics
Classification: Uncertain significance. Last evaluated: 2022-10-24. Review status: criteria provided, single submitter. Criteria: Ambry Variant Classification Scheme 2023. Collection method: clinical testing. Allele origin: germline.
Comment: The p.E855Q variant (also known as c.2563G>C), located in coding exon 1 of the MLH3 gene, results from a G to C substitution at nucleotide position 2563. The glutamic acid at codon 855 is replaced by glutamine, an amino acid with highly similar properties. This amino acid position is conserved. In addition, this alteration is predicted to be tolerated by in silico analysis. Since supporting evidence is limited at this time, the clinical significance of this alteration remains unclear.

NM_001040108.2(MLH3):c.2563G>C (p.Glu855Gln)

Gene: MLH3 (mutL homolog 3; minus strand). Cytogenetic location: 14q24.3.
Variant type: single nucleotide variant.
Coding change: c.2563G>C on transcript NM_001040108.2 (MANE Select); coding-DNA position 2563, G replaced by C.
Protein change: p.Glu855Gln; replaces glutamic acid 855 with glutamine.
Molecular consequence: missense variant.
Genome position (GRCh38, 1-based): chr14:75,047,093, C>G on the plus strand (G>C on the coding strand, the complement: MLH3 is on the minus strand). VCF-style: chr14-75047093-C-G. GRCh37 (hg19) VCF-style: chr14-75513796-C-G.
Other names: c.2563G>C, p.Glu855Gln (NM_014381.3); short protein forms E855Q.
Identifiers: ClinVar variation 1793142 (VCV001793142.2), dbSNP rs2503266797, ClinGen allele CA390439864.
Genomic context (GRCh38, chr14:75,047,093, plus strand): 5'-AGGCTAGTGATTCAGATGACTTCTCAAGGTCCAAAGGTTTTCTATTAAAGAGAGATAACT[C>G]CTTCAGGGTCATAGGACTTTCTCTCAAACTAGGCATCTGTTGTTCTAAACAATCTTCATC-3'
Protein context (NP_001035197.1, residues 845-865): SLRESPMTLK[Glu855Gln]LSLFNRKPLD